The following is an entry in ClinVar:

NM_005876.5(SPEG):c.1876C>G (p.Pro626Ala)

Gene: SPEG (striated muscle enriched protein kinase; plus strand). Cytogenetic location: 2q35.
Variant type: single nucleotide variant.
Coding change: c.1876C>G on transcript NM_005876.5 (MANE Select); coding-DNA position 1876, C replaced by G.
Protein change: p.Pro626Ala; replaces proline 626 with alanine.
Molecular consequence: missense variant.
Genome position (GRCh38, 1-based): chr2:219,449,034, C>G. VCF-style: chr2-219449034-C-G. GRCh37 (hg19) VCF-style: chr2-220313756-C-G.
Other names: c.1906C>G, p.Pro636Ala (NM_001438924.1); c.1699C>G, p.Pro567Ala (NM_001438925.1); c.1594C>G, p.Pro532Ala (NM_001438926.1, NM_001438929.1); c.1564C>G, p.Pro522Ala (NM_001438927.1); c.1417C>G, p.Pro473Ala (NM_001438928.1, NM_001438933.1); c.1387C>G, p.Pro463Ala (NM_001438930.1, NM_001438934.1); c.1537C>G, p.Pro513Ala (NM_001438931.1); c.1330C>G, p.Pro444Ala (NM_001438932.1); short protein forms P444A, P513A, P626A, P636A, P522A, P532A, P463A, P473A.
Identifiers: ClinVar variation 4699433 (VCV004699433.1).

ClinVar aggregate classification (germline): Uncertain significance (1 of 4 stars; one submission).

Submission:

Labcorp Genetics (formerly Invitae), Labcorp
Classification: Uncertain significance. Last evaluated: 2025-03-09. Review status: criteria provided, single submitter. Criteria: Invitae Variant Classification Sherloc (09022015). Collection method: clinical testing. Allele origin: germline.
Comment: This sequence change replaces proline, which is neutral and non-polar, with alanine, which is neutral and non-polar, at codon 626 of the SPEG protein (p.Pro626Ala). This variant is present in population databases (no rsID available, gnomAD 0.007%). This variant has not been reported in the literature in individuals affected with SPEG-related conditions. An algorithm developed to predict the effect of missense changes on protein structure and function (PolyPhen-2) suggests that this variant is likely to be tolerated. In summary, the available evidence is currently insufficient to determine the role of this variant in disease. Therefore, it has been classified as a Variant of Uncertain Significance.